The following is an entry in ClinVar:

NR_003051.4(RMRP):n.8T>G

Gene: RMRP (RNA component of mitochondrial RNA processing endoribonuclease; minus strand). Cytogenetic location: 9p13.3.
Variant type: single nucleotide variant.
Genome position: GRCh38 VCF-style: chr9-35658012-A-C. GRCh37 (hg19) VCF-style: chr9-35658009-A-C.
Identifiers: ClinVar variation 533767 (VCV000533767.3), dbSNP rs587781140, ClinGen allele CA464451083.

ClinVar aggregate classification (germline): Uncertain significance. Review status: criteria provided, single submitter (1 of 4 stars). 2 submissions from 2 submitters: Uncertain significance (1). 1 of the submissions does not count toward it. Last evaluated 2019-12-13.

Conditions:
Metaphyseal chondrodysplasia, McKusick type (CHH). Also called: Cartilage-Hair Hypoplasia (CHH); Cartilage-hair hypoplasia. Identifiers: Orphanet 175, MedGen C0220748, MONDO:0009595, OMIM 250250.
Anauxetic dysplasia. Identifiers: Orphanet 93347, MedGen C1846796, MONDO:0011773.

Allele frequency attached by ClinVar (database versions not stated): TOPMed 0.00001.
gnomAD v4.1: 1 of 692,618 alleles (0.00014%); highest among the groups gnomAD compares: Non-Finnish European, 0.00026%; no homozygotes.

Submissions (2):

Labcorp Genetics (formerly Invitae), Labcorp
Classification: Uncertain significance for Anauxetic dysplasia. Last evaluated: 2019-12-13. Review status: criteria provided, single submitter. Criteria: Invitae Variant Classification Sherloc (09022015). Collection method: clinical testing. Allele origin: germline.
Comment: This variant occurs in the RMRP gene, which encodes an RNA molecule that does not result in a protein product. The frequency data for this variant in the population databases is considered unreliable, as metrics indicate insufficient coverage at this position in the ExAC database. This variant has not been reported in the literature in individuals with RMRP-related conditions. ClinVar contains an entry for this variant (Variation ID: 533767). Experimental studies and prediction algorithms are not available for this variant, and the functional significance of this non-coding change is currently unknown. In summary, the available evidence is currently insufficient to determine the role of this variant in disease. Therefore, it has been classified as a Variant of Uncertain Significance.

Natera, Inc.
Classification: Uncertain significance for Cartilage-hair hypoplasia. Last evaluated: 2021-04-28. Review status: no assertion criteria provided. Collection method: clinical testing. Allele origin: germline. Not counted in ClinVar's aggregate classification.